The following is an entry in ClinVar:

NM_005751.5(AKAP9):c.9402G>A (p.Leu3134=)

Gene: AKAP9 (A-kinase anchoring protein 9; plus strand). Cytogenetic location: 7q21.2.
Variant type: single nucleotide variant.
Coding change: c.9402G>A on transcript NM_005751.5 (MANE Select); coding-DNA position 9402, G replaced by A.
Protein change: p.Leu3134=; no amino-acid change (leucine 3134 retained).
Molecular consequence: synonymous variant.
Genome position (GRCh38, 1-based): chr7:92,093,140, G>A. VCF-style: chr7-92093140-G-A. GRCh37 (hg19) VCF-style: chr7-91722454-G-A.
Other names: c.4047G>A, p.Leu1349= (NM_001379277.1); c.9378G>A, p.Leu3126= (NM_147185.3).
Identifiers: ClinVar variation 4743714 (VCV004743714.1).

ClinVar aggregate classification (germline): Uncertain significance (1 of 4 stars; one submission).

Conditions:
Long QT syndrome (LQTS). Identifiers: MedGen C0023976, MeSH D008133, MONDO:0002442. Disease mechanism: loss of function. Inheritance: Various modes of inheritance.

gnomAD v4.1: 1 of 1,614,054 alleles (0.000062%); highest among the groups gnomAD compares: African/African-American, 0.0013%; no homozygotes.

Submission:

Labcorp Genetics (formerly Invitae), Labcorp
Classification: Uncertain significance for Long QT syndrome. Last evaluated: 2025-09-10. Review status: criteria provided, single submitter. Criteria: Invitae Variant Classification Sherloc (09022015). Collection method: clinical testing. Allele origin: germline.
Comment: This sequence change affects codon 3134 of the AKAP9 mRNA. It is a 'silent' change, meaning that it does not change the encoded amino acid sequence of the AKAP9 protein. This variant is not present in population databases (gnomAD no frequency). This variant has not been reported in the literature in individuals affected with AKAP9-related conditions. Algorithms developed to predict the effect of sequence changes on RNA splicing suggest that this variant may disrupt the consensus splice site. In summary, the available evidence is currently insufficient to determine the role of this variant in disease. Therefore, it has been classified as a Variant of Uncertain Significance.